The following is an entry in ClinVar:

ClinVar aggregate classification (germline): Likely pathogenic (1 of 4 stars; one submission).

Conditions:
Autosomal recessive spastic paraplegia type 78. Identifiers: Orphanet 513436, MedGen C5567893, MONDO:0014975, OMIM 617225.
Kufor-Rakeb syndrome (KRS). Also called: PARKINSON DISEASE 9, AUTOSOMAL RECESSIVE, JUVENILE-ONSET. Identifiers: Orphanet 306674, Orphanet 314632, MedGen C1847640, MONDO:0011706, OMIM 606693.

Submission:

Juno Genomics, Hangzhou Juno Genomics, Inc
Classification: Likely pathogenic for Kufor-Rakeb syndrome; Autosomal recessive spastic paraplegia type 78. Review status: criteria provided, single submitter. Criteria: ACMG Guidelines, 2015. Collection method: clinical testing. Allele origin: germline.
Comment: Null variant in a gene where loss of function (LOF) is a known mechanism of disease.;Absent from controls (or at extremely low frequency if recessive) in Genome Aggregation Database.

NM_022089.4(ATP13A2):c.1344C>A (p.Tyr448Ter)

Gene: ATP13A2 (ATPase cation transporting 13A2; minus strand). Cytogenetic location: 1p36.13.
Variant type: single nucleotide variant.
Coding change: c.1344C>A on transcript NM_022089.4 (MANE Select); coding-DNA position 1344, C replaced by A.
Protein change: p.Tyr448Ter; replaces tyrosine 448 with a stop codon.
Molecular consequence: nonsense.
Genome position (GRCh38, 1-based): chr1:16,996,263, G>T on the plus strand (C>A on the coding strand, the complement: ATP13A2 is on the minus strand). VCF-style: chr1-16996263-G-T. GRCh37 (hg19) VCF-style: chr1-17322758-G-T.
Other names: c.1329C>A, p.Tyr443Ter (NM_001141973.3, NM_001141974.3); short protein forms Y443*, Y448*.
Identifiers: ClinVar variation 5005246 (VCV005005246.2).